The following is an entry in ClinVar:

NM_021815.5(SLC5A7):c.826C>T (p.Leu276=)

Gene: SLC5A7 (solute carrier family 5 member 7; plus strand). Cytogenetic location: 2q12.3.
Variant type: single nucleotide variant.
Coding change: c.826C>T on transcript NM_021815.5 (MANE Select); coding-DNA position 826, C replaced by T.
Protein change: p.Leu276=; no amino-acid change (leucine 276 retained).
Molecular consequence: synonymous variant.
Genome position (GRCh38, 1-based): chr2:108,006,133, C>T. VCF-style: chr2-108006133-C-T. GRCh37 (hg19) VCF-style: chr2-108622589-C-T.
Other names: c.826C>T (NM_021815.4); c.826C>T, p.Leu276= (NM_001305005.3); c.511C>T, p.Leu171= (NM_001305006.3); c.85C>T, p.Leu29= (NM_001305007.3).
Identifiers: ClinVar variation 532821 (VCV000532821.27), dbSNP rs78245030, ClinGen allele CA1819065.

ClinVar aggregate classification (germline): Benign/Likely benign. Review status: criteria provided, multiple submitters, no conflicts (2 of 4 stars). 6 submissions from 6 submitters: Benign (2); Likely benign (3). 1 of the submissions does not count toward it. Last evaluated 2025-12-25.

Conditions:
SLC5A7-related disorder. Also called: SLC5A7-related condition.
Neuronopathy, distal hereditary motor, type 7A. Also called: SPINAL MUSCULAR ATROPHY, DISTAL, WITH VOCAL CORD PARALYSIS; HARPER-YOUNG MYOPATHY; HMN VIIA; Neuronopathy, distal hereditary motor, type viia; NEURONOPATHY, DISTAL HEREDITARY MOTOR, HARDING TYPE VIIA; NEUROPATHY, DISTAL HEREDITARY MOTOR, HARDING TYPE VIIA. Identifiers: Orphanet 139589, MedGen C1834703, MONDO:0008024, OMIM 158580.
Congenital myasthenic syndrome 20. Also called: Myasthenic syndrome, congenital, 20, presynaptic. Identifiers: MedGen C4310694, MONDO:0014939, OMIM 617143.
Inborn genetic diseases. Identifiers: MedGen C0950123, MeSH D030342.

Allele frequency attached by ClinVar (database versions not stated): 1000 Genomes Project 0.00300; gnomAD exomes 0.00030 and 0.00078; 1000 Genomes Project 30x 0.00312; gnomAD 0.00311 and 0.00330; ESP Exome Variant Server 0.00384; TOPMed 0.00354; ExAC 0.00100.

Submissions (6):

Labcorp Genetics (formerly Invitae), Labcorp
Classification: Benign for Neuronopathy, distal hereditary motor, type 7A; Congenital myasthenic syndrome 20. Last evaluated: 2025-12-25. Review status: criteria provided, single submitter. Criteria: Invitae Variant Classification Sherloc (09022015). Collection method: clinical testing. Allele origin: germline.

ARUP Laboratories, Molecular Genetics and Genomics, ARUP Laboratories
Classification: Benign. Last evaluated: 2024-08-02. Review status: criteria provided, single submitter. Criteria: ARUP Molecular Germline Variant Investigation Process 2024. Collection method: clinical testing. Allele origin: germline.

GeneDx
Classification: Likely benign. Last evaluated: 2021-05-18. Review status: criteria provided, single submitter. Criteria: GeneDx Variant Classification Process June 2021. Collection method: clinical testing. Allele origin: germline. Affected: yes.

Ambry Genetics
Classification: Likely benign for Inborn genetic diseases. Last evaluated: 2019-07-11. Review status: criteria provided, single submitter. Criteria: Ambry Variant Classification Scheme 2023. Collection method: clinical testing. Allele origin: germline.

Breakthrough Genomics
Classification: Likely benign. Review status: criteria provided, single submitter. Criteria: ACMG Guidelines, 2015. Collection method: not provided. Allele origin: germline. Inheritance: Autosomal recessive inheritance. Affected: yes.

PreventionGenetics, part of Exact Sciences
Classification: Benign for SLC5A7-related condition. Last evaluated: 2019-03-06. Review status: no assertion criteria provided. Collection method: clinical testing. Allele origin: germline. Not counted in ClinVar's aggregate classification.
Comment: This variant is classified as benign based on ACMG/AMP sequence variant interpretation guidelines (Richards et al. 2015 PMID: 25741868, with internal and published modifications).